The following is an entry in ClinVar:

ClinVar aggregate classification (germline): Uncertain significance (1 of 4 stars; one submission).

gnomAD v4.1: 1 of 1,600,546 alleles (0.000062%); highest among the groups gnomAD compares: Non-Finnish European, 0.000085%; no homozygotes.

Submission:

Labcorp Genetics (formerly Invitae), Labcorp
Classification: Uncertain significance. Last evaluated: 2024-04-17. Review status: criteria provided, single submitter. Criteria: Invitae Variant Classification Sherloc (09022015). Collection method: clinical testing. Allele origin: germline.
Comment: This sequence change replaces lysine, which is basic and polar, with arginine, which is basic and polar, at codon 1019 of the STAG1 protein (p.Lys1019Arg). This variant is present in population databases (rs772628263, gnomAD 0.0009%). This variant has not been reported in the literature in individuals affected with STAG1-related conditions. Advanced modeling of protein sequence and biophysical properties (such as structural, functional, and spatial information, amino acid conservation, physicochemical variation, residue mobility, and thermodynamic stability) performed at Invitae indicates that this missense variant is not expected to disrupt STAG1 protein function with a negative predictive value of 80%. In summary, the available evidence is currently insufficient to determine the role of this variant in disease. Therefore, it has been classified as a Variant of Uncertain Significance.

NM_005862.3(STAG1):c.3056A>G (p.Lys1019Arg)

Gene: STAG1 (STAG1 cohesin complex component; minus strand). Cytogenetic location: 3q22.3.
Variant type: single nucleotide variant.
Coding change: c.3056A>G on transcript NM_005862.3 (MANE Select); coding-DNA position 3056, A replaced by G.
Protein change: p.Lys1019Arg; replaces lysine 1019 with arginine.
Molecular consequence: missense variant.
Genome position (GRCh38, 1-based): chr3:136,357,729, T>C on the plus strand (A>G on the coding strand, the complement: STAG1 is on the minus strand). VCF-style: chr3-136357729-T-C. GRCh37 (hg19) VCF-style: chr3-136076571-T-C.
Other names: short protein forms K1019R.
Identifiers: ClinVar variation 3683016 (VCV003683016.2).